The following is an entry in ClinVar:

NM_022436.3(ABCG5):c.1015T>G (p.Leu339Val)

Genes: ABCG5 (ATP binding cassette subfamily G member 5; minus strand), DYNC2LI1 (dynein cytoplasmic 2 light intermediate chain 1; plus strand). Cytogenetic location: 2p21.
Variant type: single nucleotide variant.
Coding change: c.1015T>G on transcript NM_022436.3 (MANE Select); coding-DNA position 1015, T replaced by G.
Protein change: p.Leu339Val; replaces leucine 339 with valine.
Molecular consequence: missense variant. On other transcripts: intron variant (2).
Genome position (GRCh38, 1-based): chr2:43,824,322, A>C on the plus strand (T>G on the coding strand, the complement: ABCG5 is on the minus strand). VCF-style: chr2-43824322-A-C. GRCh37 (hg19) VCF-style: chr2-44051461-A-C.
Other names: c.*16-3064A>C (NM_001348913.2, NM_001348912.2); short protein forms L339V.
Identifiers: ClinVar variation 1743362 (VCV001743362.7), dbSNP rs756376137, ClinGen allele CA1636424.

ClinVar aggregate classification (germline): Uncertain significance. Review status: criteria provided, multiple submitters, no conflicts (2 of 4 stars). 2 submissions from 2 submitters: Uncertain significance (2). Last evaluated 2025-02-23.

Conditions:
Sitosterolemia (STSL). Also called: PHYTOSTEROLEMIA. Identifiers: Orphanet 2882, MedGen C0342907, MONDO:0008863.
Cardiovascular phenotype. Identifiers: MedGen CN230736.

Allele frequency attached by ClinVar (database versions not stated): gnomAD 0.00005; ExAC 0.00002; TOPMed 0.00004.
gnomAD v4.1: 12 of 1,614,024 alleles (0.00074%); highest among the groups gnomAD compares: African/African-American, 0.015%; no homozygotes.

Submissions (2):

Ambry Genetics
Classification: Uncertain significance for Cardiovascular phenotype. Last evaluated: 2025-02-23. Review status: criteria provided, single submitter. Criteria: Ambry Variant Classification Scheme 2023. Collection method: clinical testing. Allele origin: germline.
Comment: The p.L339V variant (also known as c.1015T>G), located in coding exon 8 of the ABCG5 gene, results from a T to G substitution at nucleotide position 1015. The leucine at codon 339 is replaced by valine, an amino acid with highly similar properties. This amino acid position is conserved. In addition, this alteration is predicted to be tolerated by in silico analysis. Since supporting evidence is limited at this time, the clinical significance of this alteration remains unclear.

Labcorp Genetics (formerly Invitae), Labcorp
Classification: Uncertain significance for Sitosterolemia. Last evaluated: 2022-05-28. Review status: criteria provided, single submitter. Criteria: Invitae Variant Classification Sherloc (09022015). Collection method: clinical testing. Allele origin: germline.
Comment: This variant is present in population databases (rs756376137, gnomAD 0.02%). This sequence change replaces leucine, which is neutral and non-polar, with valine, which is neutral and non-polar, at codon 339 of the ABCG5 protein (p.Leu339Val). This variant has not been reported in the literature in individuals affected with ABCG5-related conditions. Algorithms developed to predict the effect of missense changes on protein structure and function are either unavailable or do not agree on the potential impact of this missense change (SIFT: "Deleterious"; PolyPhen-2: "Benign"; Align-GVGD: "Class C0"). In summary, the available evidence is currently insufficient to determine the role of this variant in disease. Therefore, it has been classified as a Variant of Uncertain Significance.